The following is an entry in ClinVar:

GRCh38/hg38 10q24.32(chr10:101297763-101618190)x3

Genes: BTRC (beta-transducin repeat containing E3 ubiquitin protein ligase; plus strand), DPCD (deleted in primary ciliary dyskinesia homolog (mouse); plus strand), FBXW4 (F-box and WD repeat domain containing 4; minus strand), MIR3158-1 (microRNA 3158-1; plus strand), MIR3158-2 (microRNA 3158-2; minus strand) and 10 more. Cytogenetic location: 10q24.32.
Variant type: copy number gain.
Change: copy number 3 (three copies instead of two) of chr10:101,297,763-101,618,190 (320.4 kb, GRCh38 coordinates, 1-based), cytogenetic band 10q24.32.
Identifiers: ClinVar variation 59725 (VCV000059725.1).

ClinVar aggregate classification (germline): Pathogenic (1 of 4 stars; one submission).

Submission:

ISCA site 4
Classification: Pathogenic. Last evaluated: 2011-08-12. Review status: criteria provided, single submitter. Criteria: Kaminsky et al. (Genet Med. 2011). Collection method: clinical testing. Allele origin: de novo. Affected: yes. Observed: 1 variant allele.
Comment: Copy number variation identified through the course of routine clinical cytogenomic testing in postnatal populations. Clinical assertions have been curated as described in Kaminsky et al. 2011.